The following is an entry in ClinVar:

ClinVar aggregate classification (germline): Conflicting classifications of pathogenicity. Review status: criteria provided, conflicting classifications (1 of 4 stars). 4 submissions from 4 submitters: Uncertain significance (2); Likely benign (2). Last evaluated 2025-10-13.

Conditions:
Cardiovascular phenotype. Identifiers: MedGen CN230736.
Cardiomyopathy (CMYO). Also called: Cardiomyopathies. Identifiers: Orphanet 167848, MedGen C0878544, MONDO:0004994, HP:0001638. Inheritance: Various modes of inheritance.
Arrhythmogenic right ventricular dysplasia 9 (ARVD9). Also called: ARRHYTHMOGENIC RIGHT VENTRICULAR DYSPLASIA, FAMILIAL, 9; Arrhythmogenic Right Ventricular Dysplasia/Cardiomyopathy 9. Identifiers: MedGen C1836906, MONDO:0012180, OMIM 609040.

Allele frequency attached by ClinVar (database versions not stated): gnomAD 0.00013 and 0.00014; gnomAD exomes 0.00002; TOPMed 0.00011.
gnomAD v4.1: 23 of 617,740 alleles (0.0037%); highest among the groups gnomAD compares: Admixed American, 0.045%; no homozygotes.

Submissions (4):

Women's Health and Genetics/Laboratory Corporation of America, LabCorp
Classification: Uncertain significance. Last evaluated: 2025-10-13. Review status: criteria provided, single submitter. Criteria: LabCorp Variant Classification Summary - May 2015. Collection method: clinical testing. Allele origin: germline.

Ambry Genetics
Classification: Likely benign for Cardiovascular phenotype. Last evaluated: 2025-09-02. Review status: criteria provided, single submitter. Criteria: Ambry Variant Classification Scheme 2023. Collection method: clinical testing. Allele origin: germline.

Color Diagnostics, LLC DBA Color Health
Classification: Likely benign for Cardiomyopathy. Last evaluated: 2025-08-26. Review status: criteria provided, single submitter. Criteria: ACMG Guidelines, 2015. Collection method: clinical testing. Allele origin: germline.

Labcorp Genetics (formerly Invitae), Labcorp
Classification: Uncertain significance for Arrhythmogenic right ventricular dysplasia 9. Last evaluated: 2025-06-27. Review status: criteria provided, single submitter. Criteria: Invitae Variant Classification Sherloc (09022015). Collection method: clinical testing. Allele origin: germline.
Comment: This sequence change replaces serine, which is neutral and polar, with leucine, which is neutral and non-polar, at codon 494 of the PKP2 protein (p.Ser494Leu). This variant is present in population databases (no rsID available, gnomAD 0.01%). This variant has not been reported in the literature in individuals affected with PKP2-related conditions. ClinVar contains an entry for this variant (Variation ID: 963053). An algorithm developed to predict the effect of missense changes on protein structure and function (PolyPhen-2) suggests that this variant is likely to be tolerated. In summary, the available evidence is currently insufficient to determine the role of this variant in disease. Therefore, it has been classified as a Variant of Uncertain Significance.

NM_001005242.3(PKP2):c.1379-2006C>T

Gene: PKP2 (plakophilin 2; minus strand). Cytogenetic location: 12p11.21.
Variant type: single nucleotide variant.
Coding change: c.1379-2006C>T on transcript NM_001005242.3 (MANE Select); 2006 bases into the intron before coding-DNA position 1379, C replaced by T.
Molecular consequence: intron variant. On other transcripts: missense variant (1).
Genome position (GRCh38, 1-based): chr12:32,843,211, G>A on the plus strand (C>T on the coding strand, the complement: PKP2 is on the minus strand). VCF-style: chr12-32843211-G-A. GRCh37 (hg19) VCF-style: chr12-32996145-G-A.
Other names: c.1481C>T, p.Ser494Leu (NM_004572.4); short protein forms S494L.
Identifiers: ClinVar variation 963053 (VCV000963053.11), dbSNP rs1460366599, ClinGen allele CA384368605.